The following is an entry in ClinVar:

ClinVar aggregate classification (germline): Uncertain significance (1 of 4 stars; one submission).

gnomAD v4.1: 1 of 1,613,894 alleles (0.000062%); highest among the groups gnomAD compares: Non-Finnish European, 0.000085%; no homozygotes.

Submission:

Labcorp Genetics (formerly Invitae), Labcorp
Classification: Uncertain significance. Last evaluated: 2022-10-17. Review status: criteria provided, single submitter. Criteria: Invitae Variant Classification Sherloc (09022015). Collection method: clinical testing. Allele origin: germline.
Comment: This sequence change replaces serine, which is neutral and polar, with threonine, which is neutral and polar, at codon 946 of the MYO18B protein (p.Ser946Thr). This variant is not present in population databases (gnomAD no frequency). This variant has not been reported in the literature in individuals affected with MYO18B-related conditions. Algorithms developed to predict the effect of missense changes on protein structure and function output the following: SIFT: "Not Available"; PolyPhen-2: "Benign"; Align-GVGD: "Not Available". The threonine amino acid residue is found in multiple mammalian species, which suggests that this missense change does not adversely affect protein function. In summary, the available evidence is currently insufficient to determine the role of this variant in disease. Therefore, it has been classified as a Variant of Uncertain Significance.

NM_032608.7(MYO18B):c.2836T>A (p.Ser946Thr)

Gene: MYO18B (myosin XVIIIB; plus strand). Cytogenetic location: 22q12.1.
Variant type: single nucleotide variant.
Coding change: c.2836T>A on transcript NM_032608.7 (MANE Select); coding-DNA position 2836, T replaced by A.
Protein change: p.Ser946Thr; replaces serine 946 with threonine.
Molecular consequence: missense variant.
Genome position (GRCh38, 1-based): chr22:25,828,825, T>A. VCF-style: chr22-25828825-T-A. GRCh37 (hg19) VCF-style: chr22-26224792-T-A.
Other names: c.2836T>A, p.Ser946Thr (NM_001318245.2); short protein forms S946T.
Identifiers: ClinVar variation 2006502 (VCV002006502.4), dbSNP rs2517501074, ClinGen allele CA411000290.